The following is an entry in ClinVar:

ClinVar aggregate classification (germline): Uncertain significance. Review status: criteria provided, multiple submitters, no conflicts (2 of 4 stars). 2 submissions from 2 submitters: Uncertain significance (2). Last evaluated 2025-12-11.

Conditions:
Inborn genetic diseases. Identifiers: MedGen C0950123, MeSH D030342.

gnomAD v4.1: 1 of 1,614,252 alleles (0.000062%); highest among the groups gnomAD compares: Admixed American, 0.0017%; no homozygotes.

Submissions (2):

Ambry Genetics
Classification: Uncertain significance for Inborn genetic diseases. Last evaluated: 2025-12-11. Review status: criteria provided, single submitter. Criteria: Ambry Variant Classification Scheme 2023. Collection method: clinical testing. Allele origin: germline.

Athena Diagnostics
Classification: Uncertain significance. Last evaluated: 2024-01-17. Review status: criteria provided, single submitter. Criteria: Athena Diagnostics Criteria. Collection method: clinical testing. Allele origin: unknown.
Comment: Available data are insufficient to determine the clinical significance of the variant at this time. The frequency of this variant in the general population is uninformative in assessment of its pathogenicity. Computational tools predict that this variant is not damaging.

NM_006946.4(SPTBN2):c.5780A>G (p.Asn1927Ser)

Gene: SPTBN2 (spectrin beta, non-erythrocytic 2; minus strand). Cytogenetic location: 11q13.2.
Variant type: single nucleotide variant.
Coding change: c.5780A>G on transcript NM_006946.4 (MANE Select); coding-DNA position 5780, A replaced by G.
Protein change: p.Asn1927Ser; replaces asparagine 1927 with serine.
Molecular consequence: missense variant.
Genome position (GRCh38, 1-based): chr11:66,690,069, T>C on the plus strand (A>G on the coding strand, the complement: SPTBN2 is on the minus strand). VCF-style: chr11-66690069-T-C. GRCh37 (hg19) VCF-style: chr11-66457540-T-C.
Other names: c.5801A>G, p.Asn1934Ser (NM_001411025.1); short protein forms N1927S, N1934S.
Identifiers: ClinVar variation 3571891 (VCV003571891.2).
Genomic context (GRCh38, chr11:66,690,069, plus strand): 5'-CGTGGAGGCCCTGAGCCCTGGGATTCTCACCGGGGACGCTCCTGGGCATCCATCTGCAGG[T>C]TGACCTCATCCATCCAGAGCATCAGTTCCCGGACAGCCTTGAAGAAGCGGAACTTGTCTG-3'
Protein context (NP_008877.2, residues 1917-1937): RELMLWMDEV[Asn1927Ser]LQMDAQERPR